The following is an entry in ClinVar:

ClinVar aggregate classification (germline): Uncertain significance (1 of 4 stars; one submission).

Submission:

Women's Health and Genetics/Laboratory Corporation of America, LabCorp
Classification: Uncertain significance. Last evaluated: 2025-02-25. Review status: criteria provided, single submitter. Criteria: LabCorp Variant Classification Summary - May 2015. Collection method: clinical testing. Allele origin: germline.
Comment: Variant summary: BCL11B c.1715G>C (p.Gly572Ala) results in a non-conservative amino acid change in the encoded protein sequence. Four of five in-silico tools predict a benign effect of the variant on protein function. The variant was absent in 237416 control chromosomes. The available data on variant occurrences in the general population are insufficient to allow any conclusion about variant significance. To our knowledge, no occurrence of c.1715G>C in individuals affected with BCL11B-Related Disorders and no experimental evidence demonstrating its impact on protein function have been reported. No submitters have cited clinical-significance assessments for this variant to ClinVar. Based on the evidence outlined above, the variant was classified as uncertain significance.

NM_138576.4(BCL11B):c.1715G>C (p.Gly572Ala)

Gene: BCL11B (BCL11 transcription factor B; minus strand). Cytogenetic location: 14q32.2.
Variant type: single nucleotide variant.
Coding change: c.1715G>C on transcript NM_138576.4 (MANE Select); coding-DNA position 1715, G replaced by C.
Protein change: p.Gly572Ala; replaces glycine 572 with alanine.
Molecular consequence: missense variant.
Genome position (GRCh38, 1-based): chr14:99,175,121, C>G on the plus strand (G>C on the coding strand, the complement: BCL11B is on the minus strand). VCF-style: chr14-99175121-C-G. GRCh37 (hg19) VCF-style: chr14-99641458-C-G.
Other names: c.1712G>C, p.Gly571Ala (NM_001282237.2); c.1499G>C, p.Gly500Ala (NM_001282238.2); c.1502G>C, p.Gly501Ala (NM_022898.3); short protein forms G500A, G501A, G571A, G572A.
Identifiers: ClinVar variation 3768683 (VCV003768683.1).